The following is an entry in ClinVar:

ClinVar aggregate classification (germline): Benign. Review status: criteria provided, single submitter (1 of 4 stars). 4 submissions from 4 submitters: Benign (1). 3 of the submissions do not count toward it. Last evaluated 2024-10-15.

Conditions:
GARS1-related disorder. Also called: GARS1-related condition.
Charcot-Marie-Tooth disease type 2. Also called: Charcot-Marie-Tooth type 2. Identifiers: Orphanet 64746, MedGen C0270914, MONDO:0018993.

Submissions (4):

Labcorp Genetics (formerly Invitae), Labcorp
Classification: Benign for Charcot-Marie-Tooth disease type 2. Last evaluated: 2024-10-15. Review status: criteria provided, single submitter. Criteria: Invitae Variant Classification Sherloc (09022015). Collection method: clinical testing. Allele origin: germline.

PreventionGenetics, part of Exact Sciences
Classification: Likely benign for GARS1-related condition. Last evaluated: 2019-07-16. Review status: no assertion criteria provided. Collection method: clinical testing. Allele origin: germline. Not counted in ClinVar's aggregate classification.
Comment: This variant is classified as likely benign based on ACMG/AMP sequence variant interpretation guidelines (Richards et al. 2015 PMID: 25741868, with internal and published modifications).

Clinical Genetics, Academic Medical Center
Classification: Benign. Review status: no assertion criteria provided. Collection method: clinical testing. Allele origin: germline. Affected: yes. Study: VKGL Data-share Consensus. Not counted in ClinVar's aggregate classification.

Diagnostic Laboratory, Department of Genetics, University Medical Center Groningen
Classification: Likely benign. Review status: no assertion criteria provided. Collection method: clinical testing. Allele origin: germline. Affected: yes. Study: VKGL Data-share Consensus. Not counted in ClinVar's aggregate classification.

NM_002047.4(GARS1):c.47TGC[4] (p.Leu20del)

Gene: GARS1 (glycyl-tRNA synthetase 1; plus strand). Cytogenetic location: 7p14.3.
Variant type: Microsatellite.
Coding change: c.47TGC[4] on transcript NM_002047.4 (MANE Select); four copies in a row of the 3-base unit TGC starting at c.47; the reference has five copies in a row; one copy, 3 bases deleted.
Protein change: p.Leu20del; deletes leucine 20.
Molecular consequence: inframe deletion. On other transcripts: 5 prime UTR variant (1).
Genome position (GRCh38, 1-based): chr7:30,594,980-30,594,982, TGC deleted; deleting any 3 consecutive bases within chr7:30,594,967-30,594,982 gives the same sequence; the position shown is the placement nearest the transcript's 3' end. VCF-style (leftmost placement, unchanged base first): chr7-30594966-TCTG-T. GRCh37 (hg19) VCF-style: chr7-30634582-TCTG-T.
Other names: c.59_61delTGC (NM_002047.3); c.-116TGC[4] (NM_001316772.1); short protein forms L20del.
Identifiers: ClinVar variation 416092 (VCV000416092.13), dbSNP rs150213018, ClinGen allele CA4205574.